The following is an entry in ClinVar:

NM_000492.4(CFTR):c.2620-26dup

Gene: CFTR (CF transmembrane conductance regulator; plus strand). Cytogenetic location: 7q31.2.
Variant type: Duplication.
Coding change: c.2620-26dup on transcript NM_000492.4 (MANE Select); 26 bases into the intron before coding-DNA position 2620, one base duplicated (A; older notation c.2620-26dupA).
Molecular consequence: intron variant.
Genome position (GRCh38, 1-based): chr7:117,602,800, A duplicated; the last of 8 consecutive A bases (chr7:117,602,793-117,602,800); duplicating any one gives the same sequence. VCF-style (leftmost placement, unchanged base first): chr7-117602792-G-GA. GRCh37 (hg19) VCF-style: chr7-117242846-G-GA.
Identifiers: ClinVar variation 4987538 (VCV004987538.1).
Genomic context (GRCh38, chr7:117,602,792, plus strand): 5'-ACATCAAATGGTGTGATGTGAATTTAGATGTGGGCATGGGAGGAATAGGTGAAGATGTTA[G>GA]AAAAAAAATCAACTGTGTCTTGTTCCATTCCAGGTGGCTGCTTCTTTGGTTGTGCTGTGG-3'

ClinVar aggregate classification (germline): Likely benign (1 of 4 stars; one submission).

Conditions:
CFTR-related disorder (CFTR-RD). Also called: CFTR-related disorders; CFTR-related condition. Identifiers: MedGen C5924204, MONDO:7770004.

Submission:

PreventionGenetics, part of Exact Sciences
Classification: Likely benign for CFTR-related condition. Last evaluated: 2026-03-09. Review status: criteria provided, single submitter. Criteria: ACMG Guidelines, 2015. Collection method: clinical testing. Allele origin: germline.
Comment: This variant is classified as likely benign based on ACMG/AMP sequence variant interpretation guidelines (Richards et al. 2015 PMID: 25741868, with internal and published modifications).